The following is an entry in ClinVar:

ClinVar aggregate classification (germline): Uncertain significance. Review status: criteria provided, multiple submitters, no conflicts (2 of 4 stars). 2 submissions from 2 submitters: Uncertain significance (2). Last evaluated 2025-11-25.

Conditions:
Charcot-Marie-Tooth disease axonal type 2O. Also called: CHARCOT-MARIE-TOOTH NEUROPATHY, AXONAL, TYPE 2O; CHARCOT-MARIE-TOOTH DISEASE, AXONAL, AUTOSOMAL DOMINANT, TYPE 2O; Charcot-Marie-Tooth Neuropathy Type 2O; Charcot-Marie-Tooth disease, axonal, type 20. Identifiers: Orphanet 284232, MedGen C3280220, MONDO:0013644, OMIM 614228.

gnomAD v4.1: 2 of 1,614,084 alleles (0.00012%); highest among the groups gnomAD compares: Non-Finnish European, 0.00017%; no homozygotes.

Submissions (2):

GeneDx
Classification: Uncertain significance. Last evaluated: 2025-11-25. Review status: criteria provided, single submitter. Criteria: GeneDx Variant Classification Process June 2021. Collection method: clinical testing. Allele origin: germline. Affected: yes.
Comment: Not observed at significant frequency in large population cohorts (gnomAD); In silico analysis supports that this missense variant has a deleterious effect on protein structure/function; Has not been previously published as pathogenic or benign to our knowledge; This variant is associated with the following publications: (PMID: 25512093, 25609763, 26100331)

Labcorp Genetics (formerly Invitae), Labcorp
Classification: Uncertain significance for Charcot-Marie-Tooth disease axonal type 2O. Last evaluated: 2024-04-18. Review status: criteria provided, single submitter. Criteria: Invitae Variant Classification Sherloc (09022015). Collection method: clinical testing. Allele origin: germline.
Comment: This sequence change replaces threonine, which is neutral and polar, with methionine, which is neutral and non-polar, at codon 3787 of the DYNC1H1 protein (p.Thr3787Met). This variant is not present in population databases (gnomAD no frequency). This variant has not been reported in the literature in individuals affected with DYNC1H1-related conditions. Advanced modeling of protein sequence and biophysical properties (such as structural, functional, and spatial information, amino acid conservation, physicochemical variation, residue mobility, and thermodynamic stability) performed at Invitae indicates that this missense variant is expected to disrupt DYNC1H1 protein function with a positive predictive value of 95%. In summary, the available evidence is currently insufficient to determine the role of this variant in disease. Therefore, it has been classified as a Variant of Uncertain Significance.

NM_001376.5(DYNC1H1):c.11360C>T (p.Thr3787Met)

Gene: DYNC1H1 (dynein cytoplasmic 1 heavy chain 1; plus strand). Cytogenetic location: 14q32.31.
Variant type: single nucleotide variant.
Coding change: c.11360C>T on transcript NM_001376.5 (MANE Select); coding-DNA position 11360, C replaced by T.
Protein change: p.Thr3787Met; replaces threonine 3787 with methionine.
Molecular consequence: missense variant.
Genome position (GRCh38, 1-based): chr14:102,039,154, C>T. VCF-style: chr14-102039154-C-T. GRCh37 (hg19) VCF-style: chr14-102505491-C-T.
Other names: short protein forms T3787M.
Identifiers: ClinVar variation 3371158 (VCV003371158.4).